The following is an entry in ClinVar:

NM_001321739.2(M1AP):c.243A>G (p.Gln81=)

Gene: M1AP (meiosis 1 associated protein; minus strand). Cytogenetic location: 2p13.1.
Variant type: single nucleotide variant.
Coding change: c.243A>G on transcript NM_001321739.2 (MANE Select); coding-DNA position 243, A replaced by G.
Protein change: p.Gln81=; no amino-acid change (glutamine 81 retained).
Molecular consequence: synonymous variant.
Genome position (GRCh38, 1-based): chr2:74,615,147, T>C on the plus strand (A>G on the coding strand, the complement: M1AP is on the minus strand). VCF-style: chr2-74615147-T-C. GRCh37 (hg19) VCF-style: chr2-74842274-T-C.
Other names: NC_000002.11:g.74842274T>C; c.243A>G, p.Gln81= (NM_001281295.2, NM_001281296.2, NM_138804.5).
Identifiers: ClinVar variation 4516673 (VCV004516673.5).

ClinVar aggregate classification (germline): Likely benign (1 of 4 stars; one submission).

gnomAD v4.1: 47 of 1,613,862 alleles (0.0029%); highest among the groups gnomAD compares: Non-Finnish European, 0.0037%; no homozygotes.

Submissions (2):

CeGaT Center for Human Genetics Tuebingen
Classification: Likely benign. Last evaluated: 2026-02-01. Review status: criteria provided, single submitter. Criteria: CeGaT Center For Human Genetics Tuebingen Variant Classification Criteria Version 2. Collection method: clinical testing. Allele origin: germline. Affected: yes. Observed: 1 variant allele.
Comment: M1AP: BP4, BP7

Dr. Peter K. Rogan Lab, Western University
No classification provided (evidence only). Condition: Familial cancer of breast. Review status: no classification provided. Collection method: in vitro. Allele origin: not applicable. Functional consequence: retained intron. Not counted in ClinVar's aggregate classification.